The following is an entry in ClinVar:

ClinVar aggregate classification (germline): Uncertain significance (1 of 4 stars; one submission).

Conditions:
BBIP1-related disorder. Also called: BBIP1-related condition.

Submission:

PreventionGenetics, part of Exact Sciences
Classification: Uncertain significance for BBIP1-related condition. Last evaluated: 2025-09-04. Review status: criteria provided, single submitter. Criteria: ACMG Guidelines, 2015. Collection method: clinical testing. Allele origin: germline.
Comment: The BBIP1 c.25C>T variant is predicted to result in the amino acid substitution p.Pro9Ser. To our knowledge, this variant has not been reported in the literature or in a large population database (gnomAD), indicating this variant is rare. At this time, the clinical significance of this variant is uncertain due to the absence of conclusive functional and genetic evidence.

NM_001195305.3(BBIP1):c.25C>T (p.Pro9Ser)

Gene: BBIP1 (BBSome interacting protein 1; minus strand). Cytogenetic location: 10q25.2.
Variant type: single nucleotide variant.
Coding change: c.25C>T on transcript NM_001195305.3 (MANE Select); coding-DNA position 25, C replaced by T.
Protein change: p.Pro9Ser; replaces proline 9 with serine.
Molecular consequence: missense variant. On other transcripts: intron variant (1).
Genome position (GRCh38, 1-based): chr10:110,918,133, G>A on the plus strand (C>T on the coding strand, the complement: BBIP1 is on the minus strand). VCF-style: chr10-110918133-G-A. GRCh37 (hg19) VCF-style: chr10-112677891-G-A.
Other names: c.25C>T, p.Pro9Ser (NM_001195304.2, NM_001195306.2, NM_001195307.2); c.-30+988C>T (NM_001243783.3); short protein forms P9S.
Identifiers: ClinVar variation 4994991 (VCV004994991.1).